The following is an entry in ClinVar:

ClinVar aggregate classification (germline): Pathogenic/Likely pathogenic. Review status: criteria provided, multiple submitters, no conflicts (2 of 4 stars). 4 submissions from 4 submitters: Pathogenic (3); Likely pathogenic (1). Last evaluated 2025-08-03.

Conditions:
Marfan syndrome (MFS). Also called: FBN1-Related Marfan Syndrome; Marfan syndrome, classic; MARFAN SYNDROME, TYPE I; Marfan syndrome type 1; Marfan's syndrome. Identifiers: Orphanet 284963, Orphanet 558, MedGen C0024796, MONDO:0007947, OMIM 154700.
Familial thoracic aortic aneurysm and aortic dissection (TAAD). Also called: Thoracic aortic aneurysms and dissections. Identifiers: Orphanet 91387, MedGen C4707243, MONDO:0019625.
FBN1-related disorder. Also called: FBN1-related disorders.

Submissions (4):

Labcorp Genetics (formerly Invitae), Labcorp
Classification: Pathogenic for Marfan syndrome; Familial thoracic aortic aneurysm and aortic dissection. Last evaluated: 2025-08-03. Review status: criteria provided, single submitter. Criteria: Invitae Variant Classification Sherloc (09022015). Collection method: clinical testing. Allele origin: germline.
Comment: This sequence change replaces cysteine, which is neutral and slightly polar, with tyrosine, which is neutral and polar, at codon 1646 of the FBN1 protein (p.Cys1646Tyr). This variant is not present in population databases (gnomAD no frequency). This missense change has been observed in individual(s) with Marfan syndrome (PMID: 24793577). In at least one individual the variant was observed to be de novo. ClinVar contains an entry for this variant (Variation ID: 42372). Invitae Evidence Modeling of protein sequence and biophysical properties (such as structural, functional, and spatial information, amino acid conservation, physicochemical variation, residue mobility, and thermodynamic stability) indicates that this missense variant is expected to disrupt FBN1 protein function with a positive predictive value of 95%. This variant affects a cysteine residue in the EGF-like, TGFBP or hybrid motif domains of FBN1. Cysteine residues are believed to be involved in intramolecular disulfide bridges and have been shown to be important for FBN1 protein structure (PMID: 16905551, 19349279). In addition, missense substitutions affecting cysteine residues within these domains are significantly overrepresented among patients with Marfan syndrome (PMID: 16571647, 17701892). For these reasons, this variant has been classified as Pathogenic.

Blueprint Genetics
Classification: Pathogenic for FBN1-related disorders. Last evaluated: 2022-01-21. Review status: criteria provided, single submitter. Criteria: ACMG Guidelines, 2015. Collection method: clinical testing. Allele origin: germline. Affected: yes. Observed: 3 variant alleles.

GeneDx
Classification: Pathogenic. Last evaluated: 2017-12-01. Review status: criteria provided, single submitter. Criteria: GeneDx Variant Classification (06012015). Collection method: clinical testing. Allele origin: germline. Affected: yes.
Comment: The C1646Y variant is a non-conservative amino acid substitution, which is likely to impact secondary protein structure as these residues differ in polarity, charge, size and/or other properties. In-silico analyses, including protein predictors and evolutionary conservation, support a deleterious effect. Furthermore, the C1646Y variant affects a Cysteine residue within a calcium-binding EGF-like domain of the FBN1 gene, which may affect disulfide bonding and is predicted to alter the structure and function of the protein. Cysteine substitutions in the calcium-binding EGF-like domains represent the majority of pathogenic missense changes associated with Marfan syndrome (Collod-Beroud et al., 2003). Finally, the C1646Y variant is not observed in large population cohorts (Lek et al., 2016),

Laboratory for Molecular Medicine, Mass General Brigham Personalized Medicine
Classification: Likely pathogenic for Marfan syndrome. Last evaluated: 2008-03-01. Review status: criteria provided, single submitter. Criteria: LMM Criteria. Collection method: clinical testing. Allele origin: germline. Observed: 1 variant allele.

Literature cited by the submitters: PubMed 24793577 (cited by Labcorp Genetics (formerly Invitae), Labcorp); PubMed 16905551 (cited by Labcorp Genetics (formerly Invitae), Labcorp); PubMed 19349279 (cited by Labcorp Genetics (formerly Invitae), Labcorp); PubMed 16571647 (cited by Labcorp Genetics (formerly Invitae), Labcorp); PubMed 17701892 (cited by Labcorp Genetics (formerly Invitae), Labcorp).

NM_000138.5(FBN1):c.4937G>A (p.Cys1646Tyr)

Gene: FBN1 (fibrillin 1; minus strand). Cytogenetic location: 15q21.1.
Variant type: single nucleotide variant.
Coding change: c.4937G>A on transcript NM_000138.5 (MANE Select); coding-DNA position 4937, G replaced by A.
Protein change: p.Cys1646Tyr; replaces cysteine 1646 with tyrosine.
Molecular consequence: missense variant.
Genome position (GRCh38, 1-based): chr15:48,465,573, C>T on the plus strand (G>A on the coding strand, the complement: FBN1 is on the minus strand). VCF-style: chr15-48465573-C-T. GRCh37 (hg19) VCF-style: chr15-48757770-C-T.
Other names: short protein forms C1646Y.
Identifiers: ClinVar variation 42372 (VCV000042372.7), dbSNP rs397515814, ClinGen allele CA015476.